The following is an entry in ClinVar:

NM_013266.4(CTNNA3):c.1334T>C (p.Val445Ala)

Gene: CTNNA3 (catenin alpha 3; minus strand). Cytogenetic location: 10q21.3.
Variant type: single nucleotide variant.
Coding change: c.1334T>C on transcript NM_013266.4 (MANE Select); coding-DNA position 1334, T replaced by C.
Protein change: p.Val445Ala; replaces valine 445 with alanine.
Molecular consequence: missense variant.
Genome position (GRCh38, 1-based): chr10:66,621,732, A>G on the plus strand (T>C on the coding strand, the complement: CTNNA3 is on the minus strand). VCF-style: chr10-66621732-A-G. GRCh37 (hg19) VCF-style: chr10-68381490-A-G.
Other names: c.1334T>C, p.Val445Ala (NM_001127384.3); short protein forms V445A.
Identifiers: ClinVar variation 1521028 (VCV001521028.6), dbSNP rs954678537, ClinGen allele CA209032419.

ClinVar aggregate classification (germline): Uncertain significance (1 of 4 stars; one submission).

Conditions:
Arrhythmogenic right ventricular dysplasia 13. Also called: Arrhythmogenic right ventricular dysplasia, familial, 13; ARRHYTHMOGENIC RIGHT VENTRICULAR CARDIOMYOPATHY 13. Identifiers: MedGen C3810138, MONDO:0000908, OMIM 615616.

Allele frequency attached by ClinVar (database versions not stated): gnomAD exomes below 0.00001; gnomAD 0.00001; TOPMed 0.00002.
gnomAD v4.1: 4 of 1,612,336 alleles (0.00025%); highest among the groups gnomAD compares: Admixed American, 0.005%; no homozygotes.

Submission:

Labcorp Genetics (formerly Invitae), Labcorp
Classification: Uncertain significance for Arrhythmogenic right ventricular dysplasia 13. Last evaluated: 2025-05-12. Review status: criteria provided, single submitter. Criteria: Invitae Variant Classification Sherloc (09022015). Collection method: clinical testing. Allele origin: germline.
Comment: This sequence change replaces valine, which is neutral and non-polar, with alanine, which is neutral and non-polar, at codon 445 of the CTNNA3 protein (p.Val445Ala). This variant is present in population databases (no rsID available, gnomAD 0.006%). This variant has not been reported in the literature in individuals affected with CTNNA3-related conditions. ClinVar contains an entry for this variant (Variation ID: 1521028). Invitae Evidence Modeling of protein sequence and biophysical properties (such as structural, functional, and spatial information, amino acid conservation, physicochemical variation, residue mobility, and thermodynamic stability) indicates that this missense variant is not expected to disrupt CTNNA3 protein function with a negative predictive value of 80%. In summary, the available evidence is currently insufficient to determine the role of this variant in disease. Therefore, it has been classified as a Variant of Uncertain Significance.